The following is an entry in ClinVar:

ClinVar aggregate classification (germline): Uncertain significance. Review status: criteria provided, multiple submitters, no conflicts (2 of 4 stars). 3 submissions from 3 submitters: Uncertain significance (3). Last evaluated 2026-01-14.

Conditions:
ZCCHC8-related disorder. Also called: ZCCHC8-related condition.

Allele frequency attached by ClinVar (database versions not stated): gnomAD exomes below 0.00001; gnomAD 0.00002; TOPMed 0.00003.
gnomAD v4.1: 7 of 1,607,614 alleles (0.00044%); highest among the groups gnomAD compares: Non-Finnish European, 0.00059%; no homozygotes.

Submissions (3):

PreventionGenetics, part of Exact Sciences
Classification: Uncertain significance for ZCCHC8-related condition. Last evaluated: 2026-01-14. Review status: criteria provided, single submitter. Criteria: ACMG Guidelines, 2015. Collection method: clinical testing. Allele origin: germline.
Comment: The ZCCHC8 c.1666T>A variant is predicted to result in the amino acid substitution p.Ser556Thr. To our knowledge, this variant has not been reported in the literature or in a large population database (gnomAD), indicating this variant is rare. At this time, the clinical significance of this variant is uncertain due to the absence of conclusive functional and genetic evidence.

Labcorp Genetics (formerly Invitae), Labcorp
Classification: Uncertain significance. Last evaluated: 2025-11-02. Review status: criteria provided, single submitter. Criteria: Invitae Variant Classification Sherloc (09022015). Collection method: clinical testing. Allele origin: germline.
Comment: This sequence change replaces serine, which is neutral and polar, with threonine, which is neutral and polar, at codon 556 of the ZCCHC8 protein (p.Ser556Thr). This variant is not present in population databases (gnomAD no frequency). This variant has not been reported in the literature in individuals affected with ZCCHC8-related conditions. ClinVar contains an entry for this variant (Variation ID: 1360036). Invitae Evidence Modeling of protein sequence and biophysical properties (such as structural, functional, and spatial information, amino acid conservation, physicochemical variation, residue mobility, and thermodynamic stability) has been performed for this missense variant. However, the output from this modeling did not meet the statistical confidence thresholds required to predict the impact of this variant on ZCCHC8 protein function. In summary, the available evidence is currently insufficient to determine the role of this variant in disease. Therefore, it has been classified as a Variant of Uncertain Significance.

Ambry Genetics
Classification: Uncertain significance. Last evaluated: 2024-10-25. Review status: criteria provided, single submitter. Criteria: Ambry Variant Classification Scheme 2023. Collection method: clinical testing. Allele origin: germline.

NM_017612.5(ZCCHC8):c.1666T>A (p.Ser556Thr)

Gene: ZCCHC8 (zinc finger CCHC-type containing 8; minus strand). Cytogenetic location: 12q24.31.
Variant type: single nucleotide variant.
Coding change: c.1666T>A on transcript NM_017612.5 (MANE Select); coding-DNA position 1666, T replaced by A.
Protein change: p.Ser556Thr; replaces serine 556 with threonine.
Molecular consequence: missense variant.
Genome position (GRCh38, 1-based): chr12:122,473,955, A>T on the plus strand (T>A on the coding strand, the complement: ZCCHC8 is on the minus strand). VCF-style: chr12-122473955-A-T. GRCh37 (hg19) VCF-style: chr12-122958502-A-T.
Other names: c.1666T>A (NM_017612.3, NM_017612.4); c.1435T>A, p.Ser479Thr (NM_001350935.2); c.1369T>A, p.Ser457Thr (NM_001350936.2); c.952T>A, p.Ser318Thr (NM_001350937.2, NM_001350938.2); short protein forms S318T, S556T, S479T, S457T.
Identifiers: ClinVar variation 1360036 (VCV001360036.8), dbSNP rs938733311, ClinGen allele CA244748643.